The following is an entry in ClinVar:

NM_001365999.1(SZT2):c.5331CTT[2] (p.Phe1780del)

Gene: SZT2 (SZT2 subunit of KICSTOR complex; plus strand). Cytogenetic location: 1p34.2.
Variant type: Microsatellite.
Coding change: c.5331CTT[2] on transcript NM_001365999.1 (MANE Select); two copies in a row of the 3-base unit CTT starting at c.5331; the reference has three copies in a row; one copy, 3 bases deleted.
Protein change: p.Phe1780del; deletes phenylalanine 1780.
Molecular consequence: inframe deletion.
Genome position (GRCh38, 1-based): chr1:43,432,334-43,432,336, CTT deleted; deleting any 3 consecutive bases within chr1:43,432,328-43,432,336 gives the same sequence; the position shown is the placement nearest the transcript's 3' end. VCF-style (leftmost placement, unchanged base first): chr1-43432327-GCTT-G. GRCh37 (hg19) VCF-style: chr1-43897998-GCTT-G.
Other names: c.5160CTT[2], p.Phe1723del (NM_015284.4); c.5166_5168delCTT (NM_015284.3); short protein forms F1723del, F1780del.
Identifiers: ClinVar variation 1056078 (VCV001056078.10), dbSNP rs759444473, ClinGen allele CA809545.

ClinVar aggregate classification (germline): Uncertain significance. Review status: criteria provided, multiple submitters, no conflicts (2 of 4 stars). 3 submissions from 3 submitters: Uncertain significance (3). Last evaluated 2023-04-11.

Conditions:
Inborn genetic diseases. Identifiers: MedGen C0950123, MeSH D030342.
Developmental and epileptic encephalopathy, 18 (DEE18). Also called: Early infantile epileptic encephalopathy 18. Identifiers: Orphanet 369894, MedGen C3809624, MONDO:0014201, OMIM 615476.

Submissions (3):

Genome-Nilou Lab
Classification: Uncertain significance for Developmental and epileptic encephalopathy, 18. Last evaluated: 2023-04-11. Review status: criteria provided, single submitter. Criteria: ACMG Guidelines, 2015. Collection method: clinical testing. Allele origin: germline. Affected: no.

Ambry Genetics
Classification: Uncertain significance for Inborn genetic diseases. Last evaluated: 2021-09-29. Review status: criteria provided, single submitter. Criteria: Ambry Variant Classification Scheme 2023. Collection method: clinical testing. Allele origin: germline.
Comment: The c.5166_5168delCTT (p.F1723del) alteration is located in exon 36 (coding exon 36) of the SZT2 gene. This alteration consists of an in-frame deletion of 3 nucleotides between nucleotide positions c.5166 and c.5168, resulting in the deletion of 1 residue. Based on insufficient or conflicting evidence, the clinical significance of this alteration remains unclear.

Labcorp Genetics (formerly Invitae), Labcorp
Classification: Uncertain significance. Last evaluated: 2020-08-05. Review status: criteria provided, single submitter. Criteria: Invitae Variant Classification Sherloc (09022015). Collection method: clinical testing. Allele origin: germline.
Comment: In summary, the available evidence is currently insufficient to determine the role of this variant in disease. Therefore, it has been classified as a Variant of Uncertain Significance. Experimental studies and prediction algorithms are not available or were not evaluated, and the functional significance of this variant is currently unknown. This variant has not been reported in the literature in individuals with SZT2-related conditions. This variant is present in population databases (rs759444473, ExAC 0.002%). This variant, c.5166_5168del, results in the deletion of 1 amino acid(s) of the SZT2 protein (p.Phe1723del), but otherwise preserves the integrity of the reading frame.